The following is an entry in ClinVar:

ClinVar aggregate classification (germline): Benign. Review status: criteria provided, multiple submitters, no conflicts (2 of 4 stars). 4 submissions from 4 submitters: Benign (4). Last evaluated 2021-07-10.

Conditions:
Bartter disease type 4A. Also called: BARTTER SYNDROME, NEONATAL, WITH SENSORINEURAL DEAFNESS; BARTTER SYNDROME, TYPE 4A, NEONATAL, WITH SENSORINEURAL DEAFNESS. Identifiers: Orphanet 112, MedGen C1865270, MONDO:0011242, OMIM 602522.

Allele frequency attached by ClinVar (database versions not stated): 1000 Genomes Project 0.59505; 1000 Genomes Project 30x 0.60150; TOPMed 0.65985; gnomAD 0.66917 and 0.67045.
gnomAD v4.1: 1,169,819 of 1,581,328 alleles (74%); highest among the groups gnomAD compares: Non-Finnish European, 78%; 439,563 homozygotes.

Submissions (4):

Genome-Nilou Lab
Classification: Benign for Bartter disease type 4A. Last evaluated: 2021-07-10. Review status: criteria provided, single submitter. Criteria: ACMG Guidelines, 2015. Collection method: clinical testing. Allele origin: germline. Affected: no.

GeneDx
Classification: Benign. Last evaluated: 2018-06-22. Review status: criteria provided, single submitter. Criteria: GeneDx Variant Classification Process June 2021. Collection method: clinical testing. Allele origin: germline. Affected: yes.

Illumina Laboratory Services, Illumina
Classification: Benign for Bartter disease type 4A. Last evaluated: 2018-01-13. Review status: criteria provided, single submitter. Criteria: ICSL Variant Classification Criteria 13 December 2019. Collection method: clinical testing. Allele origin: germline.
Comment: This variant was observed in the ICSL laboratory as part of a predisposition screen in an ostensibly healthy population. It had not been previously curated by ICSL or reported in the Human Gene Mutation Database (HGMD: prior to June 1st, 2018), and was therefore a candidate for classification through an automated scoring system. Utilizing variant allele frequency, disease prevalence and penetrance estimates, and inheritance mode, an automated score was calculated to assess if this variant is too frequent to cause the disease. Based on the score and internal cut-off values, a variant classified as benign is not then subjected to further curation. The score for this variant resulted in a classification of benign for this disease.

Breakthrough Genomics
Classification: Benign. Review status: criteria provided, single submitter. Criteria: ACMG Guidelines, 2015. Collection method: not provided. Allele origin: germline. Inheritance: Autosomal recessive inheritance. Affected: yes.

NM_057176.3(BSND):c.-70C>G

Gene: BSND (barttin CLCNK type accessory subunit beta; plus strand). Cytogenetic location: 1p32.3.
Variant type: single nucleotide variant.
Coding change: c.-70C>G on transcript NM_057176.3 (MANE Select); 70 bases upstream of the start codon, C replaced by G.
Molecular consequence: 5 prime UTR variant.
Genome position (GRCh38, 1-based): chr1:54,999,117, C>G. VCF-style: chr1-54999117-C-G. GRCh37 (hg19) VCF-style: chr1-55464790-C-G.
Identifiers: ClinVar variation 297674 (VCV000297674.12), dbSNP rs2500341, ClinGen allele CA10610485.